The following is an entry in ClinVar:

ClinVar aggregate classification (germline): Uncertain significance (1 of 4 stars; one submission).

Submission:

GeneDx
Classification: Uncertain significance. Last evaluated: 2022-08-30. Review status: criteria provided, single submitter. Criteria: GeneDx Variant Classification Process June 2021. Collection method: clinical testing. Allele origin: germline. Affected: yes.
Comment: Not observed at significant frequency in large population cohorts (gnomAD); In silico analysis supports that this missense variant does not alter protein structure/function; Has not been previously published as pathogenic or benign to our knowledge

NM_021098.3(CACNA1H):c.1956C>G (p.Asn652Lys)

Gene: CACNA1H (calcium voltage-gated channel subunit alpha1 H; plus strand). Cytogenetic location: 16p13.3.
Variant type: single nucleotide variant.
Coding change: c.1956C>G on transcript NM_021098.3 (MANE Select); coding-DNA position 1956, C replaced by G.
Protein change: p.Asn652Lys; replaces asparagine 652 with lysine.
Molecular consequence: missense variant.
Genome position (GRCh38, 1-based): chr16:1,202,406, C>G. VCF-style: chr16-1202406-C-G. GRCh37 (hg19) VCF-style: chr16-1252406-C-G.
Other names: c.1956C>G, p.Asn652Lys (NM_001005407.2); short protein forms N652K.
Identifiers: ClinVar variation 2442662 (VCV002442662.1), dbSNP rs2548647353, ClinGen allele CA394163341.